The following is an entry in ClinVar:

ClinVar aggregate classification (germline): Uncertain significance (1 of 4 stars; one submission).

Conditions:
Low phospholipid associated cholelithiasis (GBD1). Also called: Gallbladder disease 1; Gallstone cholecystitis. Identifiers: Orphanet 69663, MedGen C2609268, MONDO:0010939, OMIM 600803.

Submission:

Victorian Clinical Genetics Services, Murdoch Childrens Research Institute
Classification: Uncertain significance for Low phospholipid associated cholelithiasis. Last evaluated: 2022-02-02. Review status: criteria provided, single submitter. Criteria: ACMG Guidelines, 2015. Collection method: clinical testing. Allele origin: germline.
Comment: Based on the classification scheme VCGS_Germline_v1.3.4, this variant is classified as VUS-3B. Following criteria are met: 0102 - Loss of function is a known mechanism of disease in this gene and is associated with intrahepatic cholestasis of pregnancy 3 (ICP-3) (MIM#614972), gallbladder disease 1 (low phospholipid-associated cholelithiasis (LPAC)) (MIM# 600803) and progressive familial intrahepatic cholestasis 3 (PFIC) (MIM#602347). (I) 0108 - This gene is associated with both recessive and dominant disease. PFIC is inherited in a recessive manner, whereas ICP-3 and LPAC can be either dominant or recessive. Biallelic variants typically demonstrate less residual protein activity, resulting in earlier onset of the condition with a more severe phenotype (OMIM, PMID: 24806754, PMID: 32376413). (I) 0200 - Variant is predicted to result in a missense amino acid change from glycine to arginine. (I) 0251 - This variant is heterozygous. (I) 0304 - Variant is present in gnomAD <0.01 (1 heterozygote, 0 homozygotes). (SP) 0502 - Missense variant with conflicting in silico predictions and uninformative conservation. (I) 0600 - Variant is located in the annotated ABC transporter 1 domain (UniProt). (I) 0705 - No comparable missense variants have previous evidence for pathogenicity. (I) 0807 - This variant has no previous evidence of pathogenicity. (I) 0905 - No published segregation evidence has been identified for this variant. (I) 1007 - No published functional evidence has been identified for this variant. (I) 1102 - Strong phenotype match for this individual. (SP) 1208 - Inheritance information for this variant is not currently available in this individual. (I) Legend: (SP) - Supporting pathogenic, (I) - Information, (SB) - Supporting benign

Literature cited by the submitters: PubMed 24806754; PubMed 32376413.

NM_000443.4(ABCB4):c.1240G>C (p.Gly414Arg)

Gene: ABCB4 (ATP binding cassette subfamily B member 4; minus strand). Cytogenetic location: 7q21.12.
Variant type: single nucleotide variant.
Coding change: c.1240G>C on transcript NM_000443.4 (MANE Select); coding-DNA position 1240, G replaced by C.
Protein change: p.Gly414Arg; replaces glycine 414 with arginine.
Molecular consequence: missense variant.
Genome position (GRCh38, 1-based): chr7:87,443,435, C>G on the plus strand (G>C on the coding strand, the complement: ABCB4 is on the minus strand). VCF-style: chr7-87443435-C-G. GRCh37 (hg19) VCF-style: chr7-87072751-C-G.
Other names: c.1240G>C, p.Gly414Arg (NM_018849.3, NM_018850.3); short protein forms G414R.
Identifiers: ClinVar variation 3376658 (VCV003376658.1).